The following is an entry in ClinVar:

ClinVar aggregate classification (germline): Benign (1 of 4 stars; one submission).

Allele frequency attached by ClinVar (database versions not stated): 1000 Genomes Project 0.05371; 1000 Genomes Project 30x 0.05590; TOPMed 0.09324; gnomAD 0.09405 and 0.09510.
gnomAD v4.1: 14,297 of 152,240 alleles (9.4%); highest among the groups gnomAD compares: Non-Finnish European, 14%; 892 homozygotes.

Submission:

GeneDx
Classification: Benign. Last evaluated: 2018-06-14. Review status: criteria provided, single submitter. Criteria: GeneDx Variant Classification (06012015). Collection method: clinical testing. Allele origin: germline. Affected: yes.
Comment: This variant is considered likely benign or benign based on one or more of the following criteria: it is a conservative change, it occurs at a poorly conserved position in the protein, it is predicted to be benign by multiple in silico algorithms, and/or has population frequency not consistent with disease.

NM_001613.4(ACTA2):c.130-254T>C

Gene: ACTA2 (actin alpha 2, smooth muscle; minus strand). Cytogenetic location: 10q23.31.
Variant type: single nucleotide variant.
Coding change: c.130-254T>C on transcript NM_001613.4 (MANE Select); 254 bases into the intron before coding-DNA position 130, T replaced by C.
Molecular consequence: intron variant.
Genome position (GRCh38, 1-based): chr10:88,947,640, A>G on the plus strand (T>C on the coding strand, the complement: ACTA2 is on the minus strand). VCF-style: chr10-88947640-A-G. GRCh37 (hg19) VCF-style: chr10-90707397-A-G.
Other names: c.129+1162T>C (NM_001406467.1, NM_001406468.1, NM_001406469.1); c.130-254T>C (NM_001320855.2, NM_001406462.1, NM_001406471.1 and 4 more transcripts).
Identifiers: ClinVar variation 680517 (VCV000680517.3), dbSNP rs45493098, ClinGen allele CA15638728.
Genomic context (GRCh38, chr10:88,947,640, plus strand): 5'-GCCTCCAAATAACAGGAGATGTTGGGGGAAAGTCAACTTTACTTTGTATTTTTATCTCCT[A>G]TGTTCCTTGATGAGCTTTTTTAGGGCAGAGATCATGTCTGTCTTGTCCATCACTATAGCA-3'